The following is an entry in ClinVar:

NC_000017.10:g.(?_48262945)_(48267306_?)del

Gene: COL1A1 (collagen type I alpha 1 chain; minus strand). Cytogenetic location: 17q21.33.
Variant type: Deletion.
Identifiers: ClinVar variation 1457037 (VCV001457037.4).

ClinVar aggregate classification (germline): Pathogenic (1 of 4 stars; one submission).

Conditions:
Osteogenesis imperfecta type I (OI1). Also called: Lobstein disease; Classic Non-deforming Osteogenesis Imperfecta with Blue Sclerae; OI, TYPE I; OSTEOGENESIS IMPERFECTA TARDA; OSTEOGENESIS IMPERFECTA WITH BLUE SCLERAE; Osteogenesis imperfecta type 1. Identifiers: Orphanet 216796, Orphanet 666, MedGen C0023931, MONDO:0008146, OMIM 166200. Disease mechanism: loss of function.

Submission:

Labcorp Genetics (formerly Invitae), Labcorp
Classification: Pathogenic for Osteogenesis imperfecta type I. Last evaluated: 2021-09-01. Review status: criteria provided, single submitter. Criteria: Invitae Variant Classification Sherloc (09022015). Collection method: clinical testing. Allele origin: germline.
Comment: This variant disrupts a region of the COL1A1 protein in which other variant(s) (p.Asp1413Asn) have been determined to be pathogenic (PMID: 16786509, 18996919, 27509835, 29150909; Invitae). This suggests that this is a clinically significant region of the protein, and that variants that disrupt it are likely to be disease-causing. For these reasons, this variant has been classified as Pathogenic. Variants that disrupt the consensus splice site are a relatively common cause of aberrant splicing (PMID: 17576681, 9536098). This variant has been observed in individual(s) with clinical features of osteogenesis imperfecta (Invitae). This variant results in the deletion of exons 37-50 and part of exon 51 (c.2560-33_4313del) of the COL1A1 gene. While this variant is not anticipated to result in nonsense mediated decay, it likely alters RNA splicing and results in a disrupted protein product.

Literature cited by the submitters: PubMed 16786509; PubMed 18996919; PubMed 27509835; PubMed 29150909; PubMed 17576681; PubMed 9536098.